The following is an entry in ClinVar:

ClinVar aggregate classification (germline): Uncertain significance (1 of 4 stars; one submission).

Submission:

Ambry Genetics
Classification: Uncertain significance. Last evaluated: 2021-12-18. Review status: criteria provided, single submitter. Criteria: Ambry Variant Classification Scheme 2023. Collection method: clinical testing. Allele origin: germline.
Comment: The p.A164S variant (also known as c.490G>T), located in coding exon 3 of the MNDA gene, results from a G to T substitution at nucleotide position 490. The alanine at codon 164 is replaced by serine, an amino acid with similar properties. This amino acid position is conserved. In addition, this alteration is predicted to be tolerated by in silico analysis. Since supporting evidence is limited at this time, the clinical significance of this alteration remains unclear.

NM_002432.3(MNDA):c.490G>T (p.Ala164Ser)

Gene: MNDA (myeloid cell nuclear differentiation antigen; plus strand). Cytogenetic location: 1q23.1.
Variant type: single nucleotide variant.
Coding change: c.490G>T on transcript NM_002432.3 (MANE Select); coding-DNA position 490, G replaced by T.
Protein change: p.Ala164Ser; replaces alanine 164 with serine.
Molecular consequence: missense variant.
Genome position (GRCh38, 1-based): chr1:158,844,042, G>T. VCF-style: chr1-158844042-G-T. GRCh37 (hg19) VCF-style: chr1-158813832-G-T.
Other names: short protein forms A164S.
Identifiers: ClinVar variation 1744047 (VCV001744047.2), dbSNP rs947487276, ClinGen allele CA343039307.
Genomic context (GRCh38, chr1:158,844,042, plus strand): 5'-ACTGAAGCCAAAAGGAATAAGGTGTCCCAAGAGCAGAGTAAGCCCCCAGGTCCCTCAGGA[G>T]CCAGCACATCTGCAGCTGTGGATCATCCCCCACTACCCCAGACCTCATCATCAACTCCAT-3'
Protein context (NP_002423.1, residues 154-174): EQSKPPGPSG[Ala164Ser]STSAAVDHPP